The following is an entry in ClinVar:

ClinVar aggregate classification (germline): Uncertain significance (1 of 4 stars; one submission).

Conditions:
COL4A5-related disorder. Also called: COL4A5-related condition.

Allele frequency attached by ClinVar (database versions not stated): gnomAD exomes below 0.00001.
gnomAD v4.1: 1 of 1,211,516 alleles (0.000083%); highest among the groups gnomAD compares: Admixed American, 0.0022%; no homozygotes.

Submission:

PreventionGenetics, part of Exact Sciences
Classification: Uncertain significance for COL4A5-related condition. Last evaluated: 2025-06-06. Review status: criteria provided, single submitter. Criteria: ACMG Guidelines, 2015. Collection method: clinical testing. Allele origin: germline.
Comment: The COL4A5 c.4904G>A variant is predicted to result in the amino acid substitution p.Arg1635Lys. To our knowledge, this variant has not been reported in the literature or in a large population database (gnomAD), indicating this variant is rare. At this time, the clinical significance of this variant is uncertain due to the absence of conclusive functional and genetic evidence.

NM_033380.3(COL4A5):c.4922G>A (p.Arg1641Lys)

Gene: COL4A5 (collagen type IV alpha 5 chain; plus strand). Cytogenetic location: Xq22.3.
Variant type: single nucleotide variant.
Coding change: c.4922G>A on transcript NM_033380.3 (MANE Select); coding-DNA position 4922, G replaced by A.
Protein change: p.Arg1641Lys; replaces arginine 1641 with lysine.
Molecular consequence: missense variant.
Genome position (GRCh38, 1-based): chrX:108,695,367, G>A. VCF-style: chrX-108695367-G-A. GRCh37 (hg19) VCF-style: chrX-107938597-G-A.
Other names: c.4904G>A, p.Arg1635Lys (NM_000495.5); short protein forms R1635K, R1641K.
Identifiers: ClinVar variation 2630052 (VCV002630052.2), dbSNP rs2524654095, ClinGen allele CA414132851.